The following is an entry in ClinVar:

ClinVar aggregate classification (germline): Conflicting classifications of pathogenicity. Review status: criteria provided, conflicting classifications (1 of 4 stars). 12 submissions from 12 submitters: Likely pathogenic (1); Uncertain significance (8). 3 of the submissions do not count toward it. Last evaluated 2025-10-09.

Conditions:
Fanconi anemia complementation group J. Also called: BRIP1-Related Fanconi Anemia. Identifiers: Orphanet 84, MedGen C1836860, MONDO:0012187, OMIM 609054.
Ovarian cancer. Also called: OVARIAN CANCER, SOMATIC. Identifiers: Orphanet 213500, MedGen C1140680, MONDO:0008170, OMIM 167000.
Hereditary cancer-predisposing syndrome. Also called: Tumor predisposition; Hereditary Cancer Syndrome; Hereditary neoplastic syndrome; Neoplastic Syndromes, Hereditary. Identifiers: Orphanet 140162, MedGen C0027672, MeSH D009386, MONDO:0015356.
Familial cancer of breast. Also called: BREAST CANCER, FAMILIAL; hereditary breast carcinoma; Hereditary breast cancer. Identifiers: Orphanet 227535, MedGen C0346153, MONDO:0016419, OMIM 114480. Disease mechanism: loss of function.

Allele frequency attached by ClinVar (database versions not stated): gnomAD 0.00001; TOPMed 0.00001; gnomAD exomes 0.00002.
gnomAD v4.1: 26 of 1,590,532 alleles (0.0016%); highest among the groups gnomAD compares: Non-Finnish European, 0.0021%; no homozygotes.

Submissions (12):

Labcorp Genetics (formerly Invitae), Labcorp
Classification: Uncertain significance for Familial cancer of breast; Fanconi anemia complementation group J. Last evaluated: 2025-10-09. Review status: criteria provided, single submitter. Criteria: Invitae Variant Classification Sherloc (09022015). Collection method: clinical testing. Allele origin: germline.
Comment: This sequence change replaces lysine, which is basic and polar, with arginine, which is basic and polar, at codon 797 of the BRIP1 protein (p.Lys797Arg). This variant is not present in population databases (gnomAD no frequency). This missense change has been observed in individual(s) with breast cancer, ovarian cancer and/or Fanconi anemia (PMID: 23613520, 26921362, 31822495). In at least one individual the data is consistent with being in trans (on the opposite chromosome) from a pathogenic variant. ClinVar contains an entry for this variant (Variation ID: 182330). Invitae Evidence Modeling of protein sequence and biophysical properties (such as structural, functional, and spatial information, amino acid conservation, physicochemical variation, residue mobility, and thermodynamic stability) indicates that this missense variant is expected to disrupt BRIP1 protein function with a positive predictive value of 95%. Experimental studies have shown that this missense change affects BRIP1 function (PMID: 31822495). In summary, the available evidence is currently insufficient to determine the role of this variant in disease. Therefore, it has been classified as a Variant of Uncertain Significance.

Ambry Genetics
Classification: Uncertain significance for Hereditary cancer-predisposing syndrome. Last evaluated: 2025-09-17. Review status: criteria provided, single submitter. Criteria: Ambry Variant Classification Scheme 2023. Collection method: clinical testing. Allele origin: germline.
Comment: The p.K797R variant (also known as c.2390A>G), located in coding exon 16 of the BRIP1 gene, results from an A to G substitution at nucleotide position 2390. The lysine at codon 797 is replaced by arginine, an amino acid with highly similar properties. This alteration was reported in trans with a BRIP1 nonsense mutation in one individual with a clinical diagnosis of Fanconi Anemia (Chandrasekharappa SC et al. Blood, 2013 May;121:e138-48). This alteration has also been reported in 1/1853 cases of breast cancer and 0/2001 controls from a population-based case control study of breast cancer from the United Kingdom (Easton DF et al. J. Med. Genet., 2016 05;53:298-309). In another study, this alteration was detected in 1/2160 early-onset breast cancer cases and 4/1,199 ovarian cancer cases (Moyer CL et al. Cancer Res. 2020 Feb;80:857-867). This amino acid position is highly conserved in available vertebrate species. In addition, this alteration is predicted to be deleterious by in silico analysis. Since supporting evidence is limited at this time, the clinical significance of this alteration remains unclear.

Quest Diagnostics Nichols Institute San Juan Capistrano
Classification: Uncertain significance. Last evaluated: 2025-08-08. Review status: criteria provided, single submitter. Criteria: Quest Diagnostics criteria. Collection method: clinical testing. Allele origin: unknown.
Comment: The BRIP1 c.2390A>G (p.Lys797Arg) variant has been reported in individuals with breast cancer (PMID: 26921362 (2016), 31822495 (2020), 33471991 (2021), see also LOVD), ovarian cancer (PMID: 31822495 (2020)), and Fanconi anemia (PMID: 23613520 (2013)). This variant has also been identified in reportedly unaffected individuals (PMID: 29368626 (2018), 33471991 (2021), see also LOVD). A functional study has shown that this variant may affect BRIP1 protein function, however, additional studies are needed to confirm these findings (PMID: 31822495 (2020)). The frequency of this variant in the general population (Genome Aggregation Database) is uninformative in the assessment of its pathogenicity. Analysis of this variant using bioinformatics tools for the prediction of the effect of amino acid changes on protein structure and function yielded predictions that this variant is damaging. Based on the available information, we are unable to determine the clinical significance of this variant.

Color Diagnostics, LLC DBA Color Health
Classification: Likely pathogenic for Hereditary cancer-predisposing syndrome. Last evaluated: 2025-02-03. Review status: criteria provided, single submitter. Criteria: ACMG Guidelines, 2015. Collection method: clinical testing. Allele origin: germline.
Comment: This missense variant replaces lysine with arginine at codon 797 of the BRIP1 protein. Computational prediction suggests that this variant may have deleterious impact on protein structure and function. A functional study reported this variant as hypomorphic conferring hypersensitivity to DNA interstrand crosslinker and partial protein instability when expressed in BRIP1 deficient cell cultures (PMID: 31822495). This variant also has been observed in trans with a pathogenic BRIP1 variant in an individual affected with Fanconi anemia (PMID: 23613520). This variant has not been identified in the general population by the Genome Aggregation Database (gnomAD). Based on the available evidence, this variant is classified as Likely Pathogenic with potentially reduced penetrance compared with a traditional pathogenic BRIP1 variant. Medical management should be considered based on the individual's personal and family history.

GeneDx
Classification: Uncertain significance. Last evaluated: 2024-05-28. Review status: criteria provided, single submitter. Criteria: GeneDx Variant Classification Process June 2021. Collection method: clinical testing. Allele origin: germline. Affected: yes.
Comment: Identified in individuals with breast or ovarian cancer, but also in unaffected controls (PMID: 26921362, 29368626, 31822495); Published functional studies show this variant resulted in protein with a shorter half-life than wild type (PMID: 31822495); Not observed at significant frequency in large population cohorts (gnomAD); In silico analysis supports that this missense variant has a deleterious effect on protein structure/function; This variant is associated with the following publications: (PMID: 26921362, 31822495, 29368626, 23613520)

Baylor Genetics
Classification: Uncertain significance for Familial cancer of breast. Last evaluated: 2024-02-29. Review status: criteria provided, single submitter. Criteria: ACMG Guidelines, 2015. Collection method: clinical testing. Allele origin: unknown.

Myriad Genetics, Inc.
Classification: Uncertain significance for Familial cancer of breast. Last evaluated: 2023-02-28. Review status: criteria provided, single submitter. Criteria: Myriad Autosomal Dominant, Autosomal Recessive and X-Linked Classification Criteria (2023). Collection method: clinical testing. Allele origin: unknown.
Comment: This variant is classified as a variant of uncertain significance as there is insufficient evidence to determine its impact on protein function and/or cancer risk.

Sema4
Classification: Uncertain significance for Hereditary cancer-predisposing syndrome. Last evaluated: 2021-11-03. Review status: criteria provided, single submitter. Criteria: Sema4 Curation Guidelines. Collection method: curation. Allele origin: germline.
Comment: The BRIP1 c.2390A>G (p.K797R) variant has been reported as in trans with a nonsense variant in at least one individual with Fanconi anemia (PMID: 23613520). The variant has been reported in heterozygosity in individuals with breast and ovarian cancer (PMID: 31822495, 26921362, 33471991). However, it has also been observed in healthy controls (PMID: 31843900, 33471991, Flossies Database). It was not observed in the large and broad cohorts of the Genome Aggregation Database. The variant has been reported in ClinVar (Variation ID 182330). In silico predictions suggest the impact of the variant on protein function is deleterious. Functional studies have shown that this variant alters the colony growth and protein stability when expressed in BRIP1 deficient cell cultures (PMID: 31822495). In summary, although additional studies are required to fully establish its clinical significance, this variant is classified as a variant of uncertain significance.

Women's Health and Genetics/Laboratory Corporation of America, LabCorp
Classification: Uncertain significance. Last evaluated: 2018-06-22. Review status: criteria provided, single submitter. Criteria: LabCorp Variant Classification Summary - May 2015. Collection method: clinical testing. Allele origin: germline.
Comment: Variant summary: BRIP1 c.2390A>G (p.Lys797Arg) results in a conservative amino acid change located in the ATP-dependent helicase, C-terminal domain (IPR006555) of the encoded protein sequence. Four of five in-silico tools predict a damaging effect of the variant on protein function. The variant was absent in 119316 control chromosomes (ExAC). The available data on variant occurrences in the general population are insufficient to allow any conclusion about variant significance. The variant, c.2390A>G, has been reported in the literature in an individual affected with Breast Cancer (Easton 2016), but was also reported in a healthy individual older than 70 years who has never had cancer (FLOSSIES). The variant has been reported in an individual affected with Fanconi Anemia, with a known pathogenic BRIP1 variant in trans (Chandrasekharappa 2013). These data do not allow any conclusion about variant significance. To our knowledge, no experimental evidence demonstrating an impact on protein function has been reported. Three clinical diagnostic laboratories have submitted clinical-significance assessments for this variant to ClinVar after 2014 without evidence for independent evaluation. All laboratories classified the variant as uncertain significance. Based on the evidence outlined above, the variant was classified as uncertain significance.

King Laboratory, University of Washington
Classification: Benign. Last evaluated: 2019-09-01. Review status: no assertion criteria provided. Collection method: research. Allele origin: germline. Affected: yes. Not counted in ClinVar's aggregate classification.
Comment: Transcript analysis by cBROCA

Counsyl
Classification: Uncertain significance for Fanconi anemia complementation group J; Ovarian cancer. Last evaluated: 2018-05-24. Review status: no assertion criteria provided. Collection method: clinical testing. Allele origin: unknown. Not counted in ClinVar's aggregate classification.

Leiden Open Variation Database
Classification: Uncertain significance for Fanconi anemia complementation group J. Last evaluated: 2013-10-04. Review status: no assertion criteria provided. Collection method: curation. Allele origin: germline. Affected: yes. Not counted in ClinVar's aggregate classification.
Comment: Curator: Arleen D. Auerbach. Submitter to LOVD: Arleen D. Auerbach.

Literature cited by the submitters: PubMed 23613520 (cited by 8 submitters); PubMed 26921362 (cited by 7 submitters); PubMed 31822495 (cited by 5 submitters); PubMed 33471991 (cited by 3 submitters); PubMed 31843900 (cited by 3 submitters); PubMed 29368626 (cited by 3 submitters).

NM_032043.3(BRIP1):c.2390A>G (p.Lys797Arg)

Gene: BRIP1 (BRCA1 interacting DNA helicase 1; minus strand). Cytogenetic location: 17q23.2.
Variant type: single nucleotide variant.
Coding change: c.2390A>G on transcript NM_032043.3 (MANE Select); coding-DNA position 2390, A replaced by G.
Protein change: p.Lys797Arg; replaces lysine 797 with arginine.
Molecular consequence: missense variant.
Genome position (GRCh38, 1-based): chr17:61,716,053, T>C on the plus strand (A>G on the coding strand, the complement: BRIP1 is on the minus strand). VCF-style: chr17-61716053-T-C. GRCh37 (hg19) VCF-style: chr17-59793414-T-C.
Other names: p.K797R:AAA>AGA; short protein forms K797R.
Identifiers: ClinVar variation 182330 (VCV000182330.38), dbSNP rs730881622, ClinGen allele CA298825.